The following is an entry in ClinVar:

NM_020401.4(NUP107):c.353G>A (p.Arg118His)

Gene: NUP107 (nucleoporin 107; plus strand). Cytogenetic location: 12q15.
Variant type: single nucleotide variant.
Coding change: c.353G>A on transcript NM_020401.4 (MANE Select); coding-DNA position 353, G replaced by A.
Protein change: p.Arg118His; replaces arginine 118 with histidine.
Molecular consequence: missense variant.
Genome position (GRCh38, 1-based): chr12:68,692,017, G>A. VCF-style: chr12-68692017-G-A. GRCh37 (hg19) VCF-style: chr12-69085797-G-A.
Other names: c.353G>A (NM_020401.2); c.266G>A, p.Arg89His (NM_001330192.2); short protein forms R118H, R89H.
Identifiers: ClinVar variation 774484 (VCV000774484.32), dbSNP rs34347775, ClinGen allele CA6677392.
Genomic context (GRCh38, chr12:68,692,017, plus strand): 5'-TTTTTTTTAAGGTTACTAATCTGGATGACAGTAACTGGGCAGCTGCATTTTCATCACAGC[G>A]TTCCGGGCTGTTCACAAACACAGAGCCCCACAGTATAACAGAAGATGTAACTATCAGTGC-3'
Protein context (NP_065134.1, residues 108-128): SNWAAAFSSQ[Arg118His]SGLFTNTEPH

ClinVar aggregate classification (germline): Likely benign. Review status: criteria provided, multiple submitters, no conflicts (2 of 4 stars). 8 submissions from 8 submitters: Likely benign (5). 3 of the submissions do not count toward it. Last evaluated 2026-05-01.

Conditions:
NUP107-related disorder. Also called: NUP107-related condition.
Nephrotic syndrome, type 11 (NPHS11). Identifiers: Orphanet 656, MedGen C4225228, MONDO:0014752, OMIM 616730.
Ovarian dysgenesis 6. Identifiers: MedGen C4748084, MONDO:0054850, OMIM 618078.
Galloway-Mowat syndrome 7. Identifiers: MedGen C5193044, MONDO:0032692, OMIM 618348.
Inborn genetic diseases. Identifiers: MedGen C0950123, MeSH D030342.

Allele frequency attached by ClinVar (database versions not stated): 1000 Genomes Project 30x 0.00172; 1000 Genomes Project 0.00180; ExAC 0.00244; ESP Exome Variant Server 0.00284; gnomAD exomes 0.00290 and 0.00490; gnomAD 0.00301 and 0.00324; TOPMed 0.00374.
gnomAD v4.1: 7,601 of 1,610,778 alleles (0.47%); highest among the groups gnomAD compares: Non-Finnish European, 0.57%; 17 homozygotes.

Submissions (8):

CeGaT Center for Human Genetics Tuebingen
Classification: Likely benign. Last evaluated: 2026-05-01. Review status: criteria provided, single submitter. Criteria: CeGaT Center For Human Genetics Tuebingen Variant Classification Criteria Version 2. Collection method: clinical testing. Allele origin: germline. Affected: yes. Observed: 4 variant alleles.
Comment: NUP107: BP4, BS2

Labcorp Genetics (formerly Invitae), Labcorp
Classification: Likely benign. Last evaluated: 2026-01-14. Review status: criteria provided, single submitter. Criteria: Invitae Variant Classification Sherloc (09022015). Collection method: clinical testing. Allele origin: germline.

Blueprint Genetics
Classification: Likely benign. Last evaluated: 2024-11-21. Review status: criteria provided, single submitter. Criteria: ACMG Guidelines, 2015. Collection method: clinical testing. Allele origin: germline.

Fulgent Genetics
Classification: Likely benign for Nephrotic syndrome, type 11; Ovarian dysgenesis 6; Galloway-Mowat syndrome 7. Last evaluated: 2022-04-08. Review status: criteria provided, single submitter. Criteria: ACMG Guidelines, 2015. Collection method: clinical testing. Allele origin: unknown.

Ambry Genetics
Classification: Likely benign for Inborn genetic diseases. Last evaluated: 2021-10-12. Review status: criteria provided, single submitter. Criteria: Ambry Variant Classification Scheme 2023. Collection method: clinical testing. Allele origin: germline.

PreventionGenetics, part of Exact Sciences
Classification: Likely benign for NUP107-related condition. Last evaluated: 2020-12-15. Review status: no assertion criteria provided. Collection method: clinical testing. Allele origin: germline. Not counted in ClinVar's aggregate classification.
Comment: This variant is classified as likely benign based on ACMG/AMP sequence variant interpretation guidelines (Richards et al. 2015 PMID: 25741868, with internal and published modifications).

Clinical Genetics DNA and cytogenetics Diagnostics Lab, Erasmus MC, Erasmus Medical Center
Classification: Likely benign. Review status: no assertion criteria provided. Collection method: clinical testing. Allele origin: germline. Affected: yes. Study: VKGL Data-share Consensus. Not counted in ClinVar's aggregate classification.

Genome Diagnostics Laboratory, University Medical Center Utrecht
Classification: Likely benign. Review status: no assertion criteria provided. Collection method: clinical testing. Allele origin: germline. Affected: yes. Study: VKGL Data-share Consensus. Not counted in ClinVar's aggregate classification.